The following is an entry in ClinVar:

ClinVar aggregate classification (germline): Likely benign (1 of 4 stars; one submission).

gnomAD v4.1: 6 of 1,210,732 alleles (0.0005%); highest among the groups gnomAD compares: Middle Eastern, 0.023%; no homozygotes.

Submission:

CeGaT Center for Human Genetics Tuebingen
Classification: Likely benign. Last evaluated: 2025-07-01. Review status: criteria provided, single submitter. Criteria: CeGaT Center For Human Genetics Tuebingen Variant Classification Criteria Version 2. Collection method: clinical testing. Allele origin: germline. Affected: yes. Observed: 1 variant allele.
Comment: KDM5C: BP4, BP7

NM_004187.5(KDM5C):c.3972T>C (p.Pro1324=)

Gene: KDM5C (lysine demethylase 5C; minus strand). Cytogenetic location: Xp11.22.
Variant type: single nucleotide variant.
Coding change: c.3972T>C on transcript NM_004187.5 (MANE Select); coding-DNA position 3972, T replaced by C.
Protein change: p.Pro1324=; no amino-acid change (proline 1324 retained).
Molecular consequence: synonymous variant. On other transcripts: non-coding transcript variant (3).
Genome position (GRCh38, 1-based): chrX:53,194,205, A>G on the plus strand (T>C on the coding strand, the complement: KDM5C is on the minus strand). VCF-style: chrX-53194205-A-G. GRCh37 (hg19) VCF-style: chrX-53223387-A-G.
Other names: c.3771T>C, p.Pro1257= (NM_001146702.2); c.3969T>C, p.Pro1323= (NM_001282622.3, NM_001353979.2, NM_001353982.2); c.3972T>C, p.Pro1324= (NM_001353978.3, NM_001353981.2, NM_001353984.2).
Identifiers: ClinVar variation 4084602 (VCV004084602.8).
Genomic context (GRCh38, chrX:53,194,205, plus strand): 5'-CATATCCTTGCCACTGCCCTCTCTGAGGGGGTCAGAAGCAGGGGCTGCAGGGTAGTTAGG[A>G]GGCTCCTCAGGTCTAGGTTCAGCCTGTAGCCGTTGGCGGAGCTCAGCCAGCCGTCCCAAA-3'
Protein context (NP_004178.2, residues 1314-1334): RLQAEPRPEE[Pro1324=]PNYPAAPASD